The following is an entry in ClinVar:

NM_001042413.2(GLIS3):c.1091C>G (p.Pro364Arg)

Gene: GLIS3 (GLIS family zinc finger 3; minus strand). Cytogenetic location: 9p24.2.
Variant type: single nucleotide variant.
Coding change: c.1091C>G on transcript NM_001042413.2 (MANE Select); coding-DNA position 1091, C replaced by G.
Protein change: p.Pro364Arg; replaces proline 364 with arginine.
Molecular consequence: missense variant.
Genome position (GRCh38, 1-based): chr9:4,118,387, G>C on the plus strand (C>G on the coding strand, the complement: GLIS3 is on the minus strand). VCF-style: chr9-4118387-G-C. GRCh37 (hg19) VCF-style: chr9-4118387-G-C.
Other names: c.1091C>G, p.Pro364Arg (NM_001438906.1, NM_001438907.1, NM_001438908.1 and 2 more transcripts); c.626C>G, p.Pro209Arg (NM_001438909.1, NM_001438915.1, NM_152629.4); c.425C>G, p.Pro142Arg (NM_001438911.1, NM_001438912.1, NM_001438916.1); short protein forms P142R, P209R, P364R.
Identifiers: ClinVar variation 4990302 (VCV004990302.1).

ClinVar aggregate classification (germline): Uncertain significance (1 of 4 stars; one submission).

Conditions:
GLIS3-related disorder. Also called: GLIS3-related condition.

gnomAD v4.1: 100 of 1,600,536 alleles (0.0062%); highest among the groups gnomAD compares: South Asian, 0.024%; 2 homozygotes.

Submission:

PreventionGenetics, part of Exact Sciences
Classification: Uncertain significance for GLIS3-related condition. Last evaluated: 2026-06-28. Review status: criteria provided, single submitter. Criteria: ACMG Guidelines, 2015. Collection method: clinical testing. Allele origin: germline.
Comment: The GLIS3 c.1091C>G variant is predicted to result in the amino acid substitution p.Pro364Arg. To our knowledge, this variant has not been reported in the literature. This variant is reported in 0.034% of alleles in individuals of South Asian descent in gnomAD. At this time, the clinical significance of this variant is uncertain due to the absence of conclusive functional and genetic evidence.